The following is an entry in ClinVar:

ClinVar aggregate classification (germline): Uncertain significance. Review status: criteria provided, multiple submitters, no conflicts (2 of 4 stars). 2 submissions from 2 submitters: Uncertain significance (2). Last evaluated 2025-05-18.

Conditions:
Inborn genetic diseases. Identifiers: MedGen C0950123, MeSH D030342.

gnomAD v4.1: 105 of 1,613,992 alleles (0.0065%); highest among the groups gnomAD compares: Middle Eastern, 0.033%; no homozygotes.

Submissions (2):

Ambry Genetics
Classification: Uncertain significance for Inborn genetic diseases. Last evaluated: 2025-05-18. Review status: criteria provided, single submitter. Criteria: Ambry Variant Classification Scheme 2023. Collection method: clinical testing. Allele origin: germline.

Labcorp Genetics (formerly Invitae), Labcorp
Classification: Uncertain significance. Last evaluated: 2023-10-05. Review status: criteria provided, single submitter. Criteria: Invitae Variant Classification Sherloc (09022015). Collection method: clinical testing. Allele origin: germline.
Comment: This sequence change replaces proline, which is neutral and non-polar, with serine, which is neutral and polar, at codon 9 of the TGDS protein (p.Pro9Ser). This variant is present in population databases (rs202097673, gnomAD 0.005%). This variant has not been reported in the literature in individuals affected with TGDS-related conditions. ClinVar contains an entry for this variant (Variation ID: 2564467). Algorithms developed to predict the effect of missense changes on protein structure and function output the following: SIFT: "Not Available"; PolyPhen-2: "Benign"; Align-GVGD: "Not Available". The serine amino acid residue is found in multiple mammalian species, which suggests that this missense change does not adversely affect protein function. In summary, the available evidence is currently insufficient to determine the role of this variant in disease. Therefore, it has been classified as a Variant of Uncertain Significance.

NM_014305.4(TGDS):c.25C>T (p.Pro9Ser)

Genes: TGDS (TDP-glucose 4,6-dehydratase; minus strand), LOC130009954 (ATAC-STARR-seq lymphoblastoid active region 7866; plus strand). Cytogenetic location: 13q32.1.
Variant type: single nucleotide variant.
Coding change: c.25C>T on transcript NM_014305.4 (MANE Select); coding-DNA position 25, C replaced by T.
Protein change: p.Pro9Ser; replaces proline 9 with serine.
Molecular consequence: missense variant. On other transcripts: 5 prime UTR variant (1), non-coding transcript variant (2).
Genome position (GRCh38, 1-based): chr13:94,596,112, G>A on the plus strand (C>T on the coding strand, the complement: TGDS is on the minus strand). VCF-style: chr13-94596112-G-A. GRCh37 (hg19) VCF-style: chr13-95248366-G-A.
Other names: c.-148C>T (NM_001304430.2); short protein forms P9S.
Identifiers: ClinVar variation 2564467 (VCV002564467.4), dbSNP rs202097673, ClinGen allele CA7018192.
Genomic context (GRCh38, chr13:94,596,112, plus strand): 5'-TGAAACCAGCACCGCCGGTCACCAGGACCCGCTTCGCAAAGCCGCCGGGAAGACCCCACG[G>A]TTCCTCCCAACACGCCGCCGACATCTCCCAGCTCAGCAGTGCCTAGTACCGTAAAGAGTA-3'
Protein context (NP_055120.1, residues 1-19): MSAACWEE[Pro9Ser]WGLPGGFAKR